The following is an entry in ClinVar:

ClinVar aggregate classification (germline): Uncertain significance (1 of 4 stars; one submission).

Submission:

GeneDx
Classification: Uncertain significance. Last evaluated: 2025-06-03. Review status: criteria provided, single submitter. Criteria: GeneDx Variant Classification Process June 2021. Collection method: clinical testing. Allele origin: germline. Affected: yes.
Comment: In-frame deletion of 1 amino acid(s) in a non-repeat region; Not observed at significant frequency in large population cohorts (gnomAD); In silico analysis supports a deleterious effect on protein structure/function; This variant is associated with the following publications: (PMID: 35982159, 33057194)

NM_014516.4(CNOT3):c.850GAT[1] (p.Asp285del)

Gene: CNOT3 (CCR4-NOT transcription complex subunit 3; plus strand). Cytogenetic location: 19q13.42.
Variant type: Microsatellite.
Coding change: c.850GAT[1] on transcript NM_014516.4 (MANE Select); one copy of the 3-base unit GAT starting at c.850; the reference has two copies in a row; one copy, 3 bases deleted.
Protein change: p.Asp285del; deletes aspartic acid 285.
Molecular consequence: inframe deletion. On other transcripts: non-coding transcript variant (2).
Genome position (GRCh38, 1-based): chr19:54,146,616-54,146,618, GAT deleted; deleting any 3 consecutive bases within chr19:54,146,613-54,146,618 gives the same sequence; the position shown is the placement nearest the transcript's 3' end. VCF-style (leftmost placement, unchanged base first): chr19-54146612-AGAT-A. GRCh37 (hg19) VCF-style: chr19-54650348-AGAT-A.
Other names: c.853GAT[1], p.Asp286del (NM_001440653.1, NM_001440655.1, NM_001440657.1 and 3 more transcripts); c.850GAT[1], p.Asp285del (NM_001440654.1, NM_001440656.1, NM_001440658.1 and 1 more transcripts); c.307GAT[1], p.Asp104del (NM_001440659.1, NM_001440660.1); short protein forms D104del, D285del, D286del.
Identifiers: ClinVar variation 4536226 (VCV004536226.1).